The following is an entry in ClinVar:

ClinVar aggregate classification (germline): Uncertain significance (1 of 4 stars; one submission).

Conditions:
Epilepsy, childhood absence, susceptibility to, 1. Also called: Epilepsy, childhood absence 1. Identifiers: Orphanet 64280, MedGen C1838604, MONDO:0020759, OMIM 600131.
Epilepsy, childhood absence, susceptibility to, 5. Identifiers: Orphanet 64280, MedGen C2677087, MONDO:0012843, OMIM 612269.

Submission:

Labcorp Genetics (formerly Invitae), Labcorp
Classification: Uncertain significance for Epilepsy, childhood absence, susceptibility to, 5; Epilepsy, childhood absence, susceptibility to, 1. Last evaluated: 2023-12-13. Review status: criteria provided, single submitter. Criteria: Invitae Variant Classification Sherloc (09022015). Collection method: clinical testing. Allele origin: unknown.
Comment: This variant results in a copy number gain of the genomic region encompassing exon(s) 1-4 of the GABRB3 gene. This region includes the initiator codon of the gene. This copy number gain extends beyond the assayed region for this gene and therefore may encompass additional genes. As the precise location of this event is unknown, it may be in tandem or it may be located elsewhere in the genome. This variant has not been reported in the literature in individuals affected with GABRB3-related conditions. In summary, the available evidence is currently insufficient to determine the role of this variant in disease. Therefore, it has been classified as a Variant of Uncertain Significance.

NC_000015.9:g.(?_26866441)_(27018109_?)dup

Gene: GABRB3 (gamma-aminobutyric acid type A receptor subunit beta3; minus strand). Cytogenetic location: 15q12.
Variant type: Duplication.
Identifiers: ClinVar variation 3243816 (VCV003243816.1).